The following is an entry in ClinVar:

NM_006005.3(WFS1):c.2164A>G (p.Met722Val)

Gene: WFS1 (wolframin ER transmembrane glycoprotein; plus strand). Cytogenetic location: 4p16.1.
Variant type: single nucleotide variant.
Coding change: c.2164A>G on transcript NM_006005.3 (MANE Select); coding-DNA position 2164, A replaced by G.
Protein change: p.Met722Val; replaces methionine 722 with valine.
Molecular consequence: missense variant.
Genome position (GRCh38, 1-based): chr4:6,301,959, A>G. VCF-style: chr4-6301959-A-G. GRCh37 (hg19) VCF-style: chr4-6303686-A-G.
Other names: c.2164A>G, p.Met722Val (NM_001145853.1); short protein forms M722V.
Identifiers: ClinVar variation 215368 (VCV000215368.13), dbSNP rs778958194, ClinGen allele CA321222.
Genomic context (GRCh38, chr4:6,301,959, plus strand): 5'-GGCCGCTTCAAGTACGTCCGCGTGACTGACATCGACAACAGCGCCGAGTCTGCCATCAAC[A>G]TGCTCCCGTTCTTCATCGGCGACTGGATGCGCTGCCTCTACGGCGAGGCCTACCCTGCCT-3'
Protein context (NP_005996.2, residues 712-732): IDNSAESAIN[Met722Val]LPFFIGDWMR

ClinVar aggregate classification (germline): Uncertain significance. Review status: criteria provided, multiple submitters, no conflicts (2 of 4 stars). 3 submissions from 3 submitters: Uncertain significance (3). Last evaluated 2023-02-13.

Conditions:
Wolfram syndrome 1 (WFS1). Identifiers: Orphanet 3463, MedGen C4551693, MONDO:0009101, OMIM 222300.

Allele frequency attached by ClinVar (database versions not stated): TOPMed 0.00002; gnomAD 0.00003.

Submissions (3):

Labcorp Genetics (formerly Invitae), Labcorp
Classification: Uncertain significance. Last evaluated: 2023-02-13. Review status: criteria provided, single submitter. Criteria: Invitae Variant Classification Sherloc (09022015). Collection method: clinical testing. Allele origin: germline.
Comment: This sequence change replaces methionine, which is neutral and non-polar, with valine, which is neutral and non-polar, at codon 722 of the WFS1 protein (p.Met722Val). This variant is present in population databases (rs778958194, gnomAD 0.02%). This variant has not been reported in the literature in individuals affected with WFS1-related conditions. ClinVar contains an entry for this variant (Variation ID: 215368). Advanced modeling of protein sequence and biophysical properties (such as structural, functional, and spatial information, amino acid conservation, physicochemical variation, residue mobility, and thermodynamic stability) performed at Invitae indicates that this missense variant is not expected to disrupt WFS1 protein function. In summary, the available evidence is currently insufficient to determine the role of this variant in disease. Therefore, it has been classified as a Variant of Uncertain Significance.

GeneDx
Classification: Uncertain significance. Last evaluated: 2022-04-21. Review status: criteria provided, single submitter. Criteria: GeneDx Variant Classification Process June 2021. Collection method: clinical testing. Allele origin: germline. Affected: yes.
Comment: In silico analysis supports that this missense variant does not alter protein structure/function; Has not been previously published as pathogenic or benign to our knowledge

Clinical Genomics, Uppaluri K&H Personalized Medicine Clinic
Classification: Uncertain significance for Wolfram syndrome 1. Review status: criteria provided, single submitter. Criteria: K & H Uppaluri Personalized Medicine Clinic Variant Classification & Assertion Criteria_Updated V.1. Collection method: research. Allele origin: unknown. Inheritance: Autosomal recessive inheritance.
Comment: Potent mutations in WFS1 gene are associated with Wolfram's syndrome, an autosomal recessive condition, which cause diabetes mellitus, diabetes insipidus, deafness and optic atrophy. However no sufficient evidence is found to ascertain the role of this particular variant rs778958194 in Wolfram's syndrome yet.

Literature cited by the submitters: PubMed 20738327 (cited by Clinical Genomics, Uppaluri K&H Personalized Medicine Clinic); PubMed 33879153 (cited by Clinical Genomics, Uppaluri K&H Personalized Medicine Clinic); PubMed 12955714 (cited by Clinical Genomics, Uppaluri K&H Personalized Medicine Clinic); PubMed 18060660 (cited by Clinical Genomics, Uppaluri K&H Personalized Medicine Clinic); PubMed 20301750 (cited by Clinical Genomics, Uppaluri K&H Personalized Medicine Clinic); PubMed 17603484 (cited by Clinical Genomics, Uppaluri K&H Personalized Medicine Clinic).